The following is an entry in ClinVar:

NM_000037.4(ANK1):c.5591G>C (p.Arg1864Thr)

Gene: ANK1 (ankyrin 1; minus strand). Cytogenetic location: 8p11.21.
Variant type: single nucleotide variant.
Coding change: c.5591G>C on transcript NM_000037.4 (MANE Select); coding-DNA position 5591, G replaced by C.
Protein change: p.Arg1864Thr; replaces arginine 1864 with threonine.
Molecular consequence: missense variant. On other transcripts: intron variant (6).
Genome position (GRCh38, 1-based): chr8:41,661,518, C>G on the plus strand (G>C on the coding strand, the complement: ANK1 is on the minus strand). VCF-style: chr8-41661518-C-G. GRCh37 (hg19) VCF-style: chr8-41519036-C-G.
Other names: c.416G>C, p.Arg139Thr (NM_020478.5); c.5667+358G>C (NM_001142446.2); c.5133+283G>C (NM_020477.3); c.5544+358G>C (NM_020475.3); c.5619+283G>C (NM_020476.3); c.303+2141G>C (NM_020480.5); c.444+283G>C (NM_001142445.2); short protein forms R139T, R1864T.
Identifiers: ClinVar variation 3365318 (VCV003365318.1).

ClinVar aggregate classification (germline): Uncertain significance (1 of 4 stars; one submission).

Submission:

GeneDx
Classification: Uncertain significance. Last evaluated: 2023-12-11. Review status: criteria provided, single submitter. Criteria: GeneDx Variant Classification Process June 2021. Collection method: clinical testing. Allele origin: germline. Affected: yes.
Comment: Not observed at significant frequency in large population cohorts (gnomAD); In silico analysis supports that this missense variant does not alter protein structure/function; Has not been previously published as pathogenic or benign to our knowledge